The following is an entry in ClinVar:

NM_000535.7(PMS2):c.955C>G (p.Pro319Ala)

Gene: PMS2 (PMS1 homolog 2, mismatch repair system component; minus strand). Cytogenetic location: 7p22.1.
Variant type: single nucleotide variant.
Coding change: c.955C>G on transcript NM_000535.7 (MANE Select); coding-DNA position 955, C replaced by G.
Protein change: p.Pro319Ala; replaces proline 319 with alanine.
Molecular consequence: missense variant. On other transcripts: non-coding transcript variant (1), intron variant (1).
Genome position (GRCh38, 1-based): chr7:5,992,006, G>C on the plus strand (C>G on the coding strand, the complement: PMS2 is on the minus strand). VCF-style: chr7-5992006-G-C. GRCh37 (hg19) VCF-style: chr7-6031637-G-C.
Other names: c.382C>G, p.Pro128Ala (NM_001322013.2, NM_001406909.1); c.955C>G, p.Pro319Ala (NM_001322014.2, NM_001406870.1, NM_001406871.1 and 2 more transcripts); c.646C>G, p.Pro216Ala (NM_001322015.2, NM_001406875.1, NM_001406877.1 and 6 more transcripts); c.1141C>G, p.Pro381Ala (NM_001406866.1); c.979C>G, p.Pro327Ala (NM_001406868.1); c.847C>G, p.Pro283Ala (NM_001406869.1); c.757C>G, p.Pro253Ala (NM_001406873.1); c.637C>G, p.Pro213Ala (NM_001406883.1, NM_001406902.1, NM_001406903.1 and 4 more transcripts); and 8 more; short protein forms P128A, P207A, P216A, P263A, P283A, P184A, P148A, P197A.
Identifiers: ClinVar variation 5026919 (VCV005026919.1).

ClinVar aggregate classification (germline): Uncertain significance (1 of 4 stars; one submission).

Conditions:
Hereditary cancer-predisposing syndrome. Also called: Neoplastic Syndromes, Hereditary; Tumor predisposition; Hereditary neoplastic syndrome; Hereditary Cancer Syndrome. Identifiers: Orphanet 140162, MedGen C0027672, MeSH D009386, MONDO:0015356.

Submission:

Ambry Genetics
Classification: Uncertain significance for Hereditary cancer-predisposing syndrome. Last evaluated: 2026-07-07. Review status: criteria provided, single submitter. Criteria: Ambry Variant Classification Scheme 2023. Collection method: clinical testing. Allele origin: germline.
Comment: The p.P319A variant (also known as c.955C>G), located in coding exon 9 of the PMS2 gene, results from a C to G substitution at nucleotide position 955. The proline at codon 319 is replaced by alanine, an amino acid with highly similar properties. This amino acid position is conserved. In addition, this alteration is predicted to be deleterious by in silico analysis. Based on the available evidence, the clinical significance of this variant remains unclear.